The following is an entry in ClinVar:

ClinVar aggregate classification (germline): Uncertain significance. Review status: criteria provided, multiple submitters, no conflicts (2 of 4 stars). 2 submissions from 2 submitters: Uncertain significance (2). Last evaluated 2025-05-19.

Conditions:
Arrhythmogenic right ventricular dysplasia 13. Also called: ARRHYTHMOGENIC RIGHT VENTRICULAR CARDIOMYOPATHY 13; Arrhythmogenic right ventricular dysplasia, familial, 13. Identifiers: MedGen C3810138, MONDO:0000908, OMIM 615616.

Allele frequency attached by ClinVar (database versions not stated): TOPMed below 0.00001; gnomAD 0.00001.
gnomAD v4.1: 2 of 1,613,766 alleles (0.00012%); highest among the groups gnomAD compares: African/African-American, 0.0027%; no homozygotes.

Submissions (2):

Labcorp Genetics (formerly Invitae), Labcorp
Classification: Uncertain significance for Arrhythmogenic right ventricular dysplasia 13. Last evaluated: 2025-05-19. Review status: criteria provided, single submitter. Criteria: Invitae Variant Classification Sherloc (09022015). Collection method: clinical testing. Allele origin: germline.
Comment: This sequence change replaces methionine, which is neutral and non-polar, with arginine, which is basic and polar, at codon 745 of the CTNNA3 protein (p.Met745Arg). This variant is not present in population databases (gnomAD no frequency). This variant has not been reported in the literature in individuals affected with CTNNA3-related conditions. ClinVar contains an entry for this variant (Variation ID: 2564947). Invitae Evidence Modeling of protein sequence and biophysical properties (such as structural, functional, and spatial information, amino acid conservation, physicochemical variation, residue mobility, and thermodynamic stability) indicates that this missense variant is expected to disrupt CTNNA3 protein function with a positive predictive value of 80%. In summary, the available evidence is currently insufficient to determine the role of this variant in disease. Therefore, it has been classified as a Variant of Uncertain Significance.

Ambry Genetics
Classification: Uncertain significance. Last evaluated: 2023-05-06. Review status: criteria provided, single submitter. Criteria: Ambry Variant Classification Scheme 2023. Collection method: clinical testing. Allele origin: germline.
Comment: The p.M745R variant (also known as c.2234T>G), located in coding exon 15 of the CTNNA3 gene, results from a T to G substitution at nucleotide position 2234. The methionine at codon 745 is replaced by arginine, an amino acid with similar properties. This amino acid position is conserved. In addition, the in silico prediction for this alteration is inconclusive. Since supporting evidence is limited at this time, the clinical significance of this alteration remains unclear.

NM_013266.4(CTNNA3):c.2234T>G (p.Met745Arg)

Gene: CTNNA3 (catenin alpha 3; minus strand). Cytogenetic location: 10q21.3.
Variant type: single nucleotide variant.
Coding change: c.2234T>G on transcript NM_013266.4 (MANE Select); coding-DNA position 2234, T replaced by G.
Protein change: p.Met745Arg; replaces methionine 745 with arginine.
Molecular consequence: missense variant.
Genome position (GRCh38, 1-based): chr10:65,988,723, A>C on the plus strand (T>G on the coding strand, the complement: CTNNA3 is on the minus strand). VCF-style: chr10-65988723-A-C. GRCh37 (hg19) VCF-style: chr10-67748481-A-C.
Other names: c.2234T>G, p.Met745Arg (NM_001127384.3); short protein forms M745R.
Identifiers: ClinVar variation 2564947 (VCV002564947.3), dbSNP rs2078477950, ClinGen allele CA377089264.
Genomic context (GRCh38, chr10:65,988,723, plus strand): 5'-TTTATGATGTCCACTTGTAAGTAACTCACCTGATTAGCAATCTGCCGAGCAAGGACATCC[A>C]TCCTTGATCCTGATTCTGATATCATTTTCGCTGCATAGATCACATCAGTTGTATGCTTTA-3'
Protein context (NP_037398.2, residues 735-755): AKMISESGSR[Met745Arg]DVLARQIANQ